The following is an entry in ClinVar:

NM_001167623.2(CACNA1C):c.3871G>A (p.Val1291Ile)

Gene: CACNA1C (calcium voltage-gated channel subunit alpha1 C; plus strand). Cytogenetic location: 12p13.33.
Variant type: single nucleotide variant.
Coding change: c.3871G>A on transcript NM_001167623.2 (MANE Plus Clinical); coding-DNA position 3871, G replaced by A.
Protein change: p.Val1291Ile; replaces valine 1291 with isoleucine.
Molecular consequence: missense variant. On other transcripts: intron variant (13).
Genome position (GRCh38, 1-based): chr12:2,633,671, G>A. VCF-style: chr12-2633671-G-A. GRCh37 (hg19) VCF-style: chr12-2742837-G-A.
Other names: p.V1291I:GTA>ATA; c.3931G>A, p.Val1311Ile (NM_001129827.2, NM_199460.4); c.3871G>A, p.Val1291Ile (NM_001129831.2, NM_001129833.2, NM_001129836.2 and 3 more transcripts); c.3862G>A, p.Val1288Ile (NM_001129844.2); c.3829-626G>A (NM_001167625.2, NM_001129840.2, NM_001129829.2 and 9 more transcripts); c.3889-626G>A (NM_001129832.2); short protein forms V1291I, V1311I, V1288I.
Identifiers: ClinVar variation 190662 (VCV000190662.3), dbSNP rs786205760, ClinGen allele CA301462.

ClinVar aggregate classification (germline): Uncertain significance (1 of 4 stars; one submission).

Allele frequency attached by ClinVar (database versions not stated): gnomAD exomes below 0.00001 and 0.00002; gnomAD 0.00001 and 0.00002; TOPMed 0.00001.
gnomAD v4.1: 27 of 1,611,162 alleles (0.0017%); highest among the groups gnomAD compares: East Asian, 0.0067%; no homozygotes.

Submission:

GeneDx
Classification: Uncertain significance. Last evaluated: 2023-06-16. Review status: criteria provided, single submitter. Criteria: GeneDx Variant Classification Process June 2021. Collection method: clinical testing. Allele origin: germline. Affected: yes.
Comment: Not observed at significant frequency in large population cohorts (gnomAD); In silico analysis supports that this variant does not alter splicing; Has not been previously published as pathogenic or benign to our knowledge